The following is an entry in ClinVar:

ClinVar aggregate classification (germline): Pathogenic. Review status: criteria provided, multiple submitters, no conflicts (2 of 4 stars). 2 submissions from 2 submitters: Pathogenic (2). Last evaluated 2025-06-02.

Conditions:
Periventricular nodular heterotopia (PVNH). Identifiers: Orphanet 98892, MedGen C1868720, MeSH D054091, MONDO:0020341, HP:0032388.

Submissions (2):

Victorian Clinical Genetics Services, Murdoch Childrens Research Institute
Classification: Pathogenic for Periventricular nodular heterotopia. Last evaluated: 2025-06-02. Review status: criteria provided, single submitter. Criteria: ACMG Guidelines, 2015. Collection method: clinical testing. Allele origin: germline. Affected: no.
Comment: This variant is classified as Pathogenic. Evidence in support of pathogenic classification: Variant is predicted to cause nonsense-mediated decay (NMD) and loss of protein (premature termination codon is located at least 54 nucleotides upstream of the final exon-exon junction); Variant is absent from gnomAD (v2, v3 and v4); This variant has limited previous evidence of pathogenicity in an unrelated individual(s). It has been classified as pathogenic by one clinical laboratory (ClinVar); Other NMD-predicted variant(s) comparable to the one identified in this case have very strong previous evidence for pathogenicity (DECIPHER). Additional information: This variant is heterozygous; This gene is associated with both X-linked recessive and dominant disease (OMIM); No published segregation evidence has been identified for this variant; No published functional evidence has been identified for this variant.

GeneDx
Classification: Pathogenic. Last evaluated: 2016-04-28. Review status: criteria provided, single submitter. Criteria: GeneDx Variant Classification (06012015). Collection method: clinical testing. Allele origin: germline. Affected: yes.
Comment: The c.5906_5918del13 pathogenic variant in the FLNA gene causes a frameshift starting with codonGlutamic acid 1969, changes this amino acid to an Alanine residue and creates a premature Stop codonat position 3 of the new reading frame, denoted p.Glu1969AlafsX3. This pathogenic variant ispredicted to cause loss of normal protein function either through protein truncation or nonsensemediatedmRNA decay.

NM_001110556.2(FLNA):c.5930_5942del (p.Glu1977fs)

Gene: FLNA (filamin A; minus strand). Cytogenetic location: Xq28.
Variant type: Deletion.
Coding change: c.5930_5942del on transcript NM_001110556.2 (MANE Select); coding-DNA positions 5930 to 5942, 13 bases deleted (AGACGGATCTCAG).
Protein change: p.Glu1977fs; shifts the reading frame from glutamic acid 1977.
Molecular consequence: frameshift variant.
Genome position (GRCh38, 1-based): chrX:154,353,376-154,353,388, CTGAGATCCGTCT deleted on the plus strand (AGACGGATCTCAG on the coding strand, the reverse complement: FLNA is on the minus strand); deleting any 13 consecutive bases within chrX:154,353,376-154,353,395 gives the same sequence; the c. name uses the placement nearest the transcript's 3' end. VCF-style (leftmost placement, unchanged base first): chrX-154353375-GCTGAGATCCGTCT-G. GRCh37 (hg19) VCF-style: chrX-153581743-GCTGAGATCCGTCT-G.
Other names: c.5906_5918delAGACGGATCTCAG (NM_001456.3); c.5906_5918del, p.Glu1969fs (NM_001456.4); short protein forms E1977fs, E1969fs.
Identifiers: ClinVar variation 280519 (VCV000280519.4), dbSNP rs886041710, ClinGen allele CA10603607.